The following is an entry in ClinVar:

NC_000011.10:g.264391_396308dup

Genes: B4GALNT4 (beta-1,4-N-acetyl-galactosaminyltransferase 4; plus strand), IFITM1 (interferon induced transmembrane protein 1; plus strand), IFITM2 (interferon induced transmembrane protein 2; plus strand), IFITM3 (interferon induced transmembrane protein 3; minus strand), IFITM5 (interferon induced transmembrane protein 5; minus strand) and 24 more. Cytogenetic location: 11p15.5.
Variant type: Duplication.
Identifiers: ClinVar variation 157193 (VCV000157193.3).

ClinVar aggregate classification (germline): not provided (0 of 4 stars; one submission).

Conditions:
Small for gestational age. Also called: Low birth weight. Identifiers: MedGen C0235991, HP:0001518.

Submission:

Institute of Molecular and Cell Biology, University of Tartu
No classification provided. Condition: Small for gestational age. Review status: no classification provided. Collection method: case-control. Allele origin: unknown. Affected: yes. Study: Kasak2014.
Comment: The study aimed to determine the contribution of copy number variants in the genetic etiology of normal and complicated pregnancies. The samples represented (i) maternal blood DNA drawn from healthy pregnant women during 1st or 2nd trimester and (ii) maternal and paternal blood DNA drawn at term pregnancy cases representing normal and complicated gestations (severe preeclampsia, PE; gestational diabetes, GD; small-for-gestational age newborn, SGA; large-for-gestational age newborn, LGA). We performed CNV calling based on genome-wide genotyping dataset (Illumina HumanOmniExpress-24-v1 BeadChip) by applying three algorithms, QuantiSNP, GADA (Genome Alteration Detection Algorithm) and CNstream in parallel. The acquired CNV calls were merged with HD-CNV (Hotspot Detector for Copy Number Variants) program and only the CNVs predicted by at least two programs, were considered in subsequent analysis.

Literature cited by the submitters: PubMed 25666259.